The following is an entry in ClinVar:

NM_030962.4(SBF2):c.280-6_280-5del

Gene: SBF2 (SET binding factor 2; minus strand). Cytogenetic location: 11p15.4.
Variant type: Deletion.
Coding change: c.280-6_280-5del on transcript NM_030962.4 (MANE Select); 6 bases into the intron before coding-DNA position 280 through 5 bases into the intron before coding-DNA position 280, 2 bases deleted (TT; older notation c.280-6_280-5delTT).
Molecular consequence: intron variant.
Genome position (GRCh38, 1-based): chr11:10,031,175-10,031,176, AA deleted on the plus strand (TT on the coding strand, the reverse complement: SBF2 is on the minus strand); deleting any 2 consecutive bases within chr11:10,031,175-10,031,179 gives the same sequence; the c. name uses the placement nearest the transcript's 3' end. VCF-style (leftmost placement, unchanged base first): chr11-10031174-GAA-G. GRCh37 (hg19) VCF-style: chr11-10052721-GAA-G.
Other names: c.280-6_280-5del (NM_001386342.1, NM_001386339.1); c.280-6_280-5delTT (NM_030962.3).
Identifiers: ClinVar variation 1989140 (VCV001989140.2), dbSNP rs772968974, ClinGen allele CA5882156.

ClinVar aggregate classification (germline): Conflicting classifications of pathogenicity. Review status: criteria provided, conflicting classifications (1 of 4 stars). 2 submissions from 2 submitters: Uncertain significance (1); Likely benign (1). Last evaluated 2025-05-28.

Conditions:
SBF2-related disorder. Also called: SBF2-related condition.
Charcot-Marie-Tooth disease type 4. Also called: Charcot-Marie-Tooth, Type 4; Charcot-Marie-Tooth disease, type IV. Identifiers: Orphanet 64749, MedGen C4082197, MONDO:0018995.

Submissions (2):

PreventionGenetics, part of Exact Sciences
Classification: Likely benign for SBF2-related condition. Last evaluated: 2025-05-28. Review status: criteria provided, single submitter. Criteria: ACMG Guidelines, 2015. Collection method: clinical testing. Allele origin: germline.
Comment: This variant is classified as likely benign based on ACMG/AMP sequence variant interpretation guidelines (Richards et al. 2015 PMID: 25741868, with internal and published modifications).

Labcorp Genetics (formerly Invitae), Labcorp
Classification: Uncertain significance for Charcot-Marie-Tooth disease type 4. Last evaluated: 2022-07-15. Review status: criteria provided, single submitter. Criteria: Invitae Variant Classification Sherloc (09022015). Collection method: clinical testing. Allele origin: germline.
Comment: This sequence change falls in intron 3 of the SBF2 gene. It does not directly change the encoded amino acid sequence of the SBF2 protein. This variant is present in population databases (rs772968974, gnomAD 0.003%). This variant has not been reported in the literature in individuals affected with SBF2-related conditions. Algorithms developed to predict the effect of sequence changes on RNA splicing suggest that this variant may create or strengthen a splice site. In summary, the available evidence is currently insufficient to determine the role of this variant in disease. Therefore, it has been classified as a Variant of Uncertain Significance.